The following is an entry in ClinVar:

ClinVar aggregate classification (germline): Uncertain significance (1 of 4 stars; one submission).

Conditions:
Progressive microcephaly-seizures-cortical blindness-developmental delay syndrome. Also called: Seizures, cortical blindness, and microcephaly syndrome. Identifiers: Orphanet 477814, MedGen C5567650, MONDO:0014714, OMIM 616632.
Autosomal dominant nonsyndromic hearing loss 1. Also called: KONIGSMARK SYNDROME; DEAFNESS, AUTOSOMAL DOMINANT 1, WITH OR WITHOUT THROMBOCYTOPENIA. Identifiers: Orphanet 90635, MedGen C1852282, MONDO:0007424, OMIM 124900.

Submission:

Labcorp Genetics (formerly Invitae), Labcorp
Classification: Uncertain significance for Progressive microcephaly-seizures-cortical blindness-developmental delay syndrome; Autosomal dominant nonsyndromic hearing loss 1. Last evaluated: 2023-10-25. Review status: criteria provided, single submitter. Criteria: Invitae Variant Classification Sherloc (09022015). Collection method: clinical testing. Allele origin: germline.
Comment: This sequence change replaces serine, which is neutral and polar, with proline, which is neutral and non-polar, at codon 71 of the DIAPH1 protein (p.Ser71Pro). This variant is not present in population databases (gnomAD no frequency). This missense change has been observed in individual(s) with craniosynostosis (PMID: 36118902). Experimental studies and prediction algorithms are not available or were not evaluated, and the functional significance of this variant is currently unknown. In summary, the available evidence is currently insufficient to determine the role of this variant in disease. Therefore, it has been classified as a Variant of Uncertain Significance.

Literature cited by the submitters: PubMed 36118902.

NM_005219.5(DIAPH1):c.211T>C (p.Ser71Pro)

Gene: DIAPH1 (diaphanous related formin 1; minus strand). Cytogenetic location: 5q31.3.
Variant type: single nucleotide variant.
Coding change: c.211T>C on transcript NM_005219.5 (MANE Select); coding-DNA position 211, T replaced by C.
Protein change: p.Ser71Pro; replaces serine 71 with proline.
Molecular consequence: missense variant.
Genome position (GRCh38, 1-based): chr5:141,587,131, A>G on the plus strand (T>C on the coding strand, the complement: DIAPH1 is on the minus strand). VCF-style: chr5-141587131-A-G. GRCh37 (hg19) VCF-style: chr5-140966698-A-G.
Other names: c.184T>C, p.Ser62Pro (NM_001079812.3); c.211T>C, p.Ser71Pro (NM_001314007.2); short protein forms S62P, S71P.
Identifiers: ClinVar variation 2939514 (VCV002939514.3), dbSNP rs2513781175, ClinGen allele CA361546548.